The following is an entry in ClinVar:

NM_001142800.2(EYS):c.2694del (p.Cys899fs)

Gene: EYS (EGF-like photoreceptor maintenance factor; minus strand). Cytogenetic location: 6q12.
Variant type: Deletion.
Coding change: c.2694del on transcript NM_001142800.2 (MANE Select); coding-DNA position 2694, one base deleted (C; older notation c.2694delC).
Protein change: p.Cys899fs; shifts the reading frame from cysteine 899.
Molecular consequence: frameshift variant.
Genome position (GRCh38, 1-based): chr6:64,902,448, G deleted on the plus strand (C on the coding strand, the reverse complement: EYS is on the minus strand); the first of 2 consecutive G bases (chr6:64,902,448-64,902,449); deleting either gives the same sequence. VCF-style (leftmost placement, unchanged base first): chr6-64902447-AG-A. GRCh37 (hg19) VCF-style: chr6-65612340-AG-A.
Other names: c.2694del, p.Cys899fs (NM_001292009.2); short protein forms C899fs.
Identifiers: ClinVar variation 1352614 (VCV001352614.6), dbSNP rs2150071783, ClinGen allele CA2573141023.

ClinVar aggregate classification (germline): Pathogenic (1 of 4 stars; one submission).

Submission:

Labcorp Genetics (formerly Invitae), Labcorp
Classification: Pathogenic. Last evaluated: 2021-07-21. Review status: criteria provided, single submitter. Criteria: Invitae Variant Classification Sherloc (09022015). Collection method: clinical testing. Allele origin: germline.
Comment: For these reasons, this variant has been classified as Pathogenic. This variant has not been reported in the literature in individuals affected with EYS-related conditions. This sequence change creates a premature translational stop signal (p.Cys899Alafs*48) in the EYS gene. It is expected to result in an absent or disrupted protein product. Loss-of-function variants in EYS are known to be pathogenic (PMID: 18836446, 20333770). This variant is not present in population databases (ExAC no frequency).

Literature cited by the submitters: PubMed 18836446; PubMed 20333770.